The following is an entry in ClinVar:

NM_006348.5(COG5):c.652C>T (p.Gln218Ter)

Gene: COG5 (component of oligomeric golgi complex 5; minus strand). Cytogenetic location: 7q22.3.
Variant type: single nucleotide variant.
Coding change: c.652C>T on transcript NM_006348.5 (MANE Select); coding-DNA position 652, C replaced by T.
Protein change: p.Gln218Ter; replaces glutamine 218 with a stop codon.
Molecular consequence: nonsense. On other transcripts: intron variant (2).
Genome position (GRCh38, 1-based): chr7:107,412,519, G>A on the plus strand (C>T on the coding strand, the complement: COG5 is on the minus strand). VCF-style: chr7-107412519-G-A. GRCh37 (hg19) VCF-style: chr7-107052964-G-A.
Other names: c.652C>T, p.Gln218Ter (NM_001161520.2, NM_001379511.1, NM_001379512.1 and 3 more transcripts); c.235-50409C>T (NM_001379516.1); c.539-114173C>T (NM_001379515.1); short protein forms Q218*.
Identifiers: ClinVar variation 1992216 (VCV001992216.4), dbSNP rs1416296037, ClinGen allele CA368938744.

ClinVar aggregate classification (germline): Pathogenic (1 of 4 stars; one submission).

Conditions:
COG5-congenital disorder of glycosylation. Also called: COG5-CDG; CONGENITAL DISORDER OF GLYCOSYLATION, TYPE IIi; CDG IIi. Identifiers: Orphanet 263487, MedGen C3150876, MONDO:0013325, OMIM 613612.

Submission:

Labcorp Genetics (formerly Invitae), Labcorp
Classification: Pathogenic for COG5-congenital disorder of glycosylation. Last evaluated: 2022-04-15. Review status: criteria provided, single submitter. Criteria: Invitae Variant Classification Sherloc (09022015). Collection method: clinical testing. Allele origin: germline.
Comment: For these reasons, this variant has been classified as Pathogenic. This variant has not been reported in the literature in individuals affected with COG5-related conditions. This variant is present in population databases (no rsID available, gnomAD 0.003%). This sequence change creates a premature translational stop signal (p.Gln249*) in the COG5 gene. It is expected to result in an absent or disrupted protein product. Loss-of-function variants in COG5 are known to be pathogenic (PMID: 23228021).

Literature cited by the submitters: PubMed 23228021.